The following is an entry in ClinVar:

NM_018713.3(SLC30A10):c.*276C>T

Gene: SLC30A10 (solute carrier family 30 member 10; minus strand). Cytogenetic location: 1q41.
Variant type: single nucleotide variant.
Coding change: c.*276C>T on transcript NM_018713.3 (MANE Select); 276 bases downstream of the stop codon, C replaced by T.
Molecular consequence: 3 prime UTR variant. On other transcripts: non-coding transcript variant (2).
Genome position (GRCh38, 1-based): chr1:219,915,173, G>A on the plus strand (C>T on the coding strand, the complement: SLC30A10 is on the minus strand). VCF-style: chr1-219915173-G-A. GRCh37 (hg19) VCF-style: chr1-220088515-G-A.
Other names: c.*276C>T (NM_001376929.1).
Identifiers: ClinVar variation 295580 (VCV000295580.7), dbSNP rs138571819, ClinGen allele CA10609291.

ClinVar aggregate classification (germline): Benign. Review status: criteria provided, multiple submitters, no conflicts (2 of 4 stars). 3 submissions from 3 submitters: Benign (3). Last evaluated 2018-09-04.

Conditions:
Hypermanganesemia with dystonia, polycythemia, and cirrhosis (HMNDYT1). Also called: Hepatic Cirrhosis, Dystonia, Polycythemia and Hypermanganesemia; Cirrhosis - dystonia - polycythemia - hypermanganesemia syndrome; Hypermanganesemia with Dystonia 1. Identifiers: Orphanet 309854, MedGen C2750442, MONDO:0013208, OMIM 613280.

Allele frequency attached by ClinVar (database versions not stated): 1000 Genomes Project 30x 0.00812; 1000 Genomes Project 0.00879; TOPMed 0.01610; gnomAD 0.02138 and 0.02157; gnomAD exomes 0.02346.
gnomAD v4.1: 9,622 of 426,646 alleles (2.3%); highest among the groups gnomAD compares: Non-Finnish European, 2.7%; 163 homozygotes.

Submissions (3):

GeneDx
Classification: Benign. Last evaluated: 2018-09-04. Review status: criteria provided, single submitter. Criteria: GeneDx Variant Classification Process June 2021. Collection method: clinical testing. Allele origin: germline. Affected: yes.

Illumina Laboratory Services, Illumina
Classification: Benign for Hypermanganesemia with dystonia, polycythemia, and cirrhosis. Last evaluated: 2018-01-13. Review status: criteria provided, single submitter. Criteria: ICSL Variant Classification Criteria 13 December 2019. Collection method: clinical testing. Allele origin: germline.
Comment: This variant was observed in the ICSL laboratory as part of a predisposition screen in an ostensibly healthy population. It had not been previously curated by ICSL or reported in the Human Gene Mutation Database (HGMD: prior to June 1st, 2018), and was therefore a candidate for classification through an automated scoring system. Utilizing variant allele frequency, disease prevalence and penetrance estimates, and inheritance mode, an automated score was calculated to assess if this variant is too frequent to cause the disease. Based on the score and internal cut-off values, a variant classified as benign is not then subjected to further curation. The score for this variant resulted in a classification of benign for this disease.

Breakthrough Genomics
Classification: Benign. Review status: criteria provided, single submitter. Criteria: ACMG Guidelines, 2015. Collection method: not provided. Allele origin: germline. Inheritance: Autosomal recessive inheritance. Affected: yes.